The following is an entry in ClinVar:

NM_020754.4(ARHGAP31):c.4127T>C (p.Ile1376Thr)

Gene: ARHGAP31 (Rho GTPase activating protein 31; plus strand). Cytogenetic location: 3q13.33.
Variant type: single nucleotide variant.
Coding change: c.4127T>C on transcript NM_020754.4 (MANE Select); coding-DNA position 4127, T replaced by C.
Protein change: p.Ile1376Thr; replaces isoleucine 1376 with threonine.
Molecular consequence: missense variant.
Genome position (GRCh38, 1-based): chr3:119,416,056, T>C. VCF-style: chr3-119416056-T-C. GRCh37 (hg19) VCF-style: chr3-119134903-T-C.
Other names: short protein forms I1376T.
Identifiers: ClinVar variation 4996709 (VCV004996709.1).

ClinVar aggregate classification (germline): Uncertain significance (1 of 4 stars; one submission).

Conditions:
ARHGAP31-related disorder. Also called: ARHGAP31-related condition.

gnomAD v4.1: 1 of 1,614,038 alleles (0.000062%); highest among the groups gnomAD compares: Non-Finnish European, 0.000085%; no homozygotes.

Submission:

PreventionGenetics, part of Exact Sciences
Classification: Uncertain significance for ARHGAP31-related condition. Last evaluated: 2025-10-06. Review status: criteria provided, single submitter. Criteria: ACMG Guidelines, 2015. Collection method: clinical testing. Allele origin: germline.
Comment: The ARHGAP31 c.4127T>C variant is predicted to result in the amino acid substitution p.Ile1376Thr. To our knowledge, this variant has not been reported in the literature. This variant is reported in 0.00088% of alleles in individuals of European (Non-Finnish) descent in gnomAD. At this time, the clinical significance of this variant is uncertain due to the absence of conclusive functional and genetic evidence.